The following is an entry in ClinVar:

ClinVar aggregate classification (germline): other (0 of 4 stars; one submission).

Conditions:
Familial colorectal cancer. Identifiers: MedGen CN280943, MONDO:0023113. Disease mechanism: loss of function.

Allele frequency attached by ClinVar (database versions not stated): gnomAD 0.53642 and 0.54554; TOPMed 0.56059; 1000 Genomes Project 30x 0.62789; 1000 Genomes Project 0.63179.
gnomAD v4.1: 82,906 of 151,916 alleles (55%); highest among the groups gnomAD compares: East Asian, 87%; 23,223 homozygotes.

Submission:

Systems Biology Platform Zhejiang California International NanoSystems Institute
Classification: other for Familial colorectal cancer. Review status: no assertion criteria provided. Collection method: not provided. Allele origin: unknown.
ClinVar note: Converted during submission from cancer to other.

NM_000038.6(APC):c.423-1547G>C

Gene: APC (APC regulator of WNT signaling pathway; plus strand). Cytogenetic location: 5q22.2.
Variant type: single nucleotide variant.
Coding change: c.423-1547G>C on transcript NM_000038.6 (MANE Select); 1547 bases into the intron before coding-DNA position 423, G replaced by C.
Molecular consequence: intron variant.
Genome position (GRCh38, 1-based): chr5:112,774,082, G>C. VCF-style: chr5-112774082-G-C. GRCh37 (hg19) VCF-style: chr5-112109779-G-C.
Other names: c.423-1547G>C (NM_001354895.2, NM_001127510.3, NM_001354896.2 and 2 more transcripts); c.453-1547G>C (NM_001354897.2, NM_001354902.2, NM_001127511.3); c.348-1547G>C (NM_001354898.2, NM_001354904.2); c.-613-1547G>C (NM_001354906.2); c.246-1547G>C (NM_001354900.2, NM_001354901.2, NM_001354905.2).
Identifiers: ClinVar variation 82901 (VCV000082901.2), dbSNP rs1816769, ClinGen allele CA009173.